The following is an entry in ClinVar:

NM_007294.4(BRCA1):c.3135_3138del (p.Asn1045fs)

Gene: BRCA1 (BRCA1 DNA repair associated; minus strand). Cytogenetic location: 17q21.31.
Variant type: Deletion.
Coding change: c.3135_3138del on transcript NM_007294.4 (MANE Select); coding-DNA positions 3135 to 3138, 4 bases deleted (TGAA; older notation c.3135_3138delTGAA).
Protein change: p.Asn1045fs; shifts the reading frame from asparagine 1045.
Molecular consequence: frameshift variant. On other transcripts: intron variant (137).
Genome position (GRCh38, 1-based): chr17:43,092,393-43,092,396, TTCA deleted on the plus strand (TGAA on the coding strand, the reverse complement: BRCA1 is on the minus strand); deleting any 4 consecutive bases within chr17:43,092,393-43,092,398 gives the same sequence; the c. name uses the placement nearest the transcript's 3' end. VCF-style (leftmost placement, unchanged base first): chr17-43092392-CTTCA-C. GRCh37 (hg19) VCF-style: chr17-41244409-CTTCA-C.
Other names: c.3009_3012del, p.Asn1003fs (NM_001407690.1, NM_001407691.1, NM_001407670.1 and 11 more transcripts); c.578-1364_578-1361del (NM_001408483.1, NM_001408481.1, NM_001408480.1 and 9 more transcripts); c.665-1364_665-1361del (NM_001408442.1, NM_001408426.1, NM_001408436.1 and 12 more transcripts); c.788-1364_788-1361del (NM_001407982.1, NM_001407970.1, NM_001407980.1 and 17 more transcripts); c.2994_2997del, p.Asn998fs (NM_001407696.1, NM_001407697.1, NM_001407698.1 and 29 more transcripts); c.3135_3138delTGAA (NM_007294.3); c.3012_3015del, p.Asn1004fs (NM_001407665.1, NM_001407666.1, NM_001407667.1 and 19 more transcripts); c.3135_3138del, p.Asn1045fs (NM_001407684.1, NM_001407854.1, NM_001407858.1 and 30 more transcripts); and 42 more; short protein forms N1045fs, N998fs, N917fs, N918fs, N956fs, N978fs, N1019fs, N977fs.
Identifiers: ClinVar variation 573193 (VCV000573193.9), dbSNP rs1567792767, ClinGen allele CA891843728.

ClinVar aggregate classification (germline): Pathogenic (1 of 4 stars; one submission).

Conditions:
Hereditary breast ovarian cancer syndrome. Also called: BRCA1- and BRCA2-Associated Hereditary Breast and Ovarian Cancer; Hereditary breast and ovarian cancer; Hereditary breast and/or ovarian cancer syndrome; Hereditary breast and ovarian cancer syndrome; Hereditary breast and ovarian cancer syndrome (HBOC); Breast and ovarian cancer. Identifiers: Orphanet 145, MedGen C0677776, MeSH D061325, MONDO:0003582. Disease mechanism: loss of function.

Submission:

Labcorp Genetics (formerly Invitae), Labcorp
Classification: Pathogenic for Hereditary breast ovarian cancer syndrome. Last evaluated: 2018-07-09. Review status: criteria provided, single submitter. Criteria: Invitae Variant Classification Sherloc (09022015). Collection method: clinical testing. Allele origin: germline.
Comment: This sequence change creates a premature translational stop signal (p.Asn1045Lysfs*2) in the BRCA1 gene. It is expected to result in an absent or disrupted protein product. This variant is not present in population databases (ExAC no frequency). For these reasons, this variant has been classified as Pathogenic. Loss-of-function variants in BRCA1 are known to be pathogenic (PMID: 20104584). This variant has not been reported in the literature in individuals with BRCA1-related disease.

Literature cited by the submitters: PubMed 20104584.